The following is an entry in ClinVar:

NM_000540.3(RYR1):c.2753A>G (p.Asn918Ser)

Gene: RYR1 (ryanodine receptor 1; plus strand). Cytogenetic location: 19q13.2.
Variant type: single nucleotide variant.
Coding change: c.2753A>G on transcript NM_000540.3 (MANE Select); coding-DNA position 2753, A replaced by G.
Protein change: p.Asn918Ser; replaces asparagine 918 with serine.
Molecular consequence: missense variant.
Genome position (GRCh38, 1-based): chr19:38,463,817, A>G. VCF-style: chr19-38463817-A-G. GRCh37 (hg19) VCF-style: chr19-38954457-A-G.
Other names: c.2753A>G, p.Asn918Ser (NM_001042723.2); short protein forms N918S.
Identifiers: ClinVar variation 1710030 (VCV001710030.3), dbSNP rs775780413, ClinGen allele CA405632544.

ClinVar aggregate classification (germline): Uncertain significance. Review status: criteria provided, multiple submitters, no conflicts (2 of 4 stars). 2 submissions from 2 submitters: Uncertain significance (2). Last evaluated 2024-09-23.

Conditions:
Malignant hyperthermia, susceptibility to, 1 (MHS1). Also called: Anesthesia related hyperthermia; Malignant hyperpyrexia; Fulminating hyperpyrexia; Pharmacogenic myopathy; RYR1-Related Malignant Hyperthermia Susceptibility; Malignant hyperthermia suceptibility 1. Identifiers: Orphanet 423, MedGen C2930980, MONDO:0007783, OMIM 145600.
Central core myopathy (CMYO1A). Also called: CONGENITAL MYOPATHY 1A, AUTOSOMAL DOMINANT, WITH SUSCEPTIBILITY TO MALIGNANT HYPERTHERMIA; Central core disease; Myopathy, central fibrillar. Identifiers: Orphanet 597, MedGen C5830701, MONDO:0007294, OMIM 117000.

Allele frequency attached by ClinVar (database versions not stated): TOPMed 0.00001.
gnomAD v4.1: 2 of 1,613,868 alleles (0.00012%); highest among the groups gnomAD compares: South Asian, 0.0011%; no homozygotes.

Submissions (2):

All of Us Research Program, National Institutes of Health
Classification: Uncertain significance for Malignant hyperthermia, susceptibility to, 1. Last evaluated: 2024-09-23. Review status: criteria provided, single submitter. Criteria: ACMG Guidelines, 2015. Collection method: clinical testing. Allele origin: germline. Inheritance: Autosomal dominant inheritance. Observed: 1 variant allele, 1 heterozygote.
Comment: This study involves interpretation of variants in research participants for the purpose of population health screening. Participant phenotype was not available at the time of variant classification. Additional details can be found in publication PMID: 35346344, PMCID: PMC8962531

MGZ Medical Genetics Center
Classification: Uncertain significance for Central core myopathy. Last evaluated: 2022-04-12. Review status: criteria provided, single submitter. Criteria: ACMG Guidelines, 2015. Collection method: clinical testing. Allele origin: germline. Affected: yes. Observed: 1 variant allele.
Comment: ACMG criteria applied: PM2_SUP, PP3